The following is an entry in ClinVar:

NM_001289104.2(PRKCSH):c.82C>T (p.His28Tyr)

Gene: PRKCSH (PRKCSH beta subunit of glucosidase II; plus strand). Cytogenetic location: 19p13.2.
Variant type: single nucleotide variant.
Coding change: c.82C>T on transcript NM_001289104.2 (MANE Select); coding-DNA position 82, C replaced by T.
Protein change: p.His28Tyr; replaces histidine 28 with tyrosine.
Molecular consequence: missense variant.
Genome position (GRCh38, 1-based): chr19:11,436,391, C>T. VCF-style: chr19-11436391-C-T. GRCh37 (hg19) VCF-style: chr19-11547212-C-T.
Other names: c.82C>T, p.His28Tyr (NM_001001329.3, NM_001289102.2, NM_001289103.2 and 3 more transcripts); short protein forms H28Y.
Identifiers: ClinVar variation 328169 (VCV000328169.9), dbSNP rs149258999, ClinGen allele CA9212696.

ClinVar aggregate classification (germline): Uncertain significance. Review status: criteria provided, multiple submitters, no conflicts (2 of 4 stars). 3 submissions from 3 submitters: Uncertain significance (3). Last evaluated 2025-06-12.

Conditions:
Inborn genetic diseases. Identifiers: MedGen C0950123, MeSH D030342.
Polycystic liver disease 1 (PCLD1). Also called: Polycystic liver disease 1 with or without kidney cysts. Identifiers: Orphanet 2924, MedGen C0887850, MONDO:0008265, OMIM 174050.

Allele frequency attached by ClinVar (database versions not stated): TOPMed 0.00006; ESP Exome Variant Server 0.00008; 1000 Genomes Project 30x 0.00016; 1000 Genomes Project 0.00020.
gnomAD v4.1: 44 of 1,614,008 alleles (0.0027%); highest among the groups gnomAD compares: Middle Eastern, 0.05%; no homozygotes.

Submissions (3):

Labcorp Genetics (formerly Invitae), Labcorp
Classification: Uncertain significance. Last evaluated: 2025-06-12. Review status: criteria provided, single submitter. Criteria: Invitae Variant Classification Sherloc (09022015). Collection method: clinical testing. Allele origin: germline.
Comment: This sequence change replaces histidine, which is basic and polar, with tyrosine, which is neutral and polar, at codon 28 of the PRKCSH protein (p.His28Tyr). This variant is present in population databases (rs149258999, gnomAD 0.02%). This variant has not been reported in the literature in individuals affected with PRKCSH-related conditions. ClinVar contains an entry for this variant (Variation ID: 328169). An algorithm developed to predict the effect of missense changes on protein structure and function (PolyPhen-2) suggests that this variant is likely to be disruptive. In summary, the available evidence is currently insufficient to determine the role of this variant in disease. Therefore, it has been classified as a Variant of Uncertain Significance.

Ambry Genetics
Classification: Uncertain significance for Inborn genetic diseases. Last evaluated: 2024-03-28. Review status: criteria provided, single submitter. Criteria: Ambry Variant Classification Scheme 2023. Collection method: clinical testing. Allele origin: germline.

Illumina Laboratory Services, Illumina
Classification: Uncertain significance for Polycystic liver disease 1. Last evaluated: 2018-01-13. Review status: criteria provided, single submitter. Criteria: ICSL Variant Classification Criteria 13 December 2019. Collection method: clinical testing. Allele origin: germline.